The following is an entry in ClinVar:

NM_002691.4(POLD1):c.1221C>G (p.Ile407Met)

Gene: POLD1 (DNA polymerase delta 1, catalytic subunit; plus strand). Cytogenetic location: 19q13.33.
Variant type: single nucleotide variant.
Coding change: c.1221C>G on transcript NM_002691.4 (MANE Select); coding-DNA position 1221, C replaced by G.
Protein change: p.Ile407Met; replaces isoleucine 407 with methionine.
Molecular consequence: missense variant. On other transcripts: non-coding transcript variant (1).
Genome position (GRCh38, 1-based): chr19:50,403,576, C>G. VCF-style: chr19-50403576-C-G. GRCh37 (hg19) VCF-style: chr19-50906833-C-G.
Other names: c.1221C>G, p.Ile407Met (NM_001256849.1, NM_001308632.1); short protein forms I407M.
Identifiers: ClinVar variation 818625 (VCV000818625.14), dbSNP rs1397545786, ClinGen allele CA406978610.
Genomic context (GRCh38, chr19:50,403,576, plus strand): 5'-CATGGACCCCGACGTGATCACCGGTTACAACATCCAGAACTTCGACCTTCCGTACCTCAT[C>G]TCTCGGGCCCAGACCCTCAAGGTGAGGGCTGGGCAGGTGGGAGGCTTCTCTCAGATGCCC-3'
Protein context (NP_002682.2, residues 397-417): NIQNFDLPYL[Ile407Met]SRAQTLKVQT

ClinVar aggregate classification (germline): Uncertain significance. Review status: criteria provided, multiple submitters, no conflicts (2 of 4 stars). 2 submissions from 2 submitters: Uncertain significance (2). Last evaluated 2024-05-20.

Conditions:
POLD1-related polyposis and colorectal cancer syndrome (CRCS10). Also called: Colorectal cancer, susceptibility to, 10; Colorectal cancer 10; COLORECTAL CANCER, SUSCEPTIBILITY TO, ON CHROMOSOME 19q. Identifiers: Orphanet 220460, MedGen C2675481, MONDO:0012953, OMIM 612591.
Hereditary cancer-predisposing syndrome. Also called: Hereditary Cancer Syndrome; Hereditary neoplastic syndrome; Neoplastic Syndromes, Hereditary; Tumor predisposition. Identifiers: Orphanet 140162, MedGen C0027672, MeSH D009386, MONDO:0015356.

gnomAD v4.1: 1 of 1,612,818 alleles (0.000062%); highest among the groups gnomAD compares: Non-Finnish European, 0.000085%; no homozygotes.

Submissions (2):

Ambry Genetics
Classification: Uncertain significance for Hereditary cancer-predisposing syndrome. Last evaluated: 2024-05-20. Review status: criteria provided, single submitter. Criteria: Ambry Variant Classification Scheme 2023. Collection method: clinical testing. Allele origin: germline.
Comment: The p.I407M variant (also known as c.1221C>G), located in coding exon 9 of the POLD1 gene, results from a C to G substitution at nucleotide position 1221. The isoleucine at codon 407 is replaced by methionine, an amino acid with highly similar properties. This amino acid position is well conserved in available vertebrate species. In addition, this alteration is predicted to be tolerated by in silico analysis. Since supporting evidence is limited at this time, the clinical significance of this alteration remains unclear.

Labcorp Genetics (formerly Invitae), Labcorp
Classification: Uncertain significance for POLD1-related polyposis and colorectal cancer syndrome. Last evaluated: 2020-04-19. Review status: criteria provided, single submitter. Criteria: Invitae Variant Classification Sherloc (09022015). Collection method: clinical testing. Allele origin: germline.
Comment: This sequence change replaces isoleucine with methionine at codon 407 of the POLD1 protein (p.Ile407Met). The isoleucine residue is weakly conserved and there is a small physicochemical difference between isoleucine and methionine. This variant is not present in population databases (ExAC no frequency). This variant has not been reported in the literature in individuals with POLD1-related conditions. Algorithms developed to predict the effect of missense changes on protein structure and function are either unavailable or do not agree on the potential impact of this missense change (SIFT: "Tolerated"; PolyPhen-2: "Benign"; Align-GVGD: "Class C0"). In summary, the available evidence is currently insufficient to determine the role of this variant in disease. Therefore, it has been classified as a Variant of Uncertain Significance.